The following is an entry in ClinVar:

ClinVar aggregate classification (germline): Uncertain significance (1 of 4 stars; one submission).

gnomAD v4.1: 33 of 1,608,784 alleles (0.0021%); highest among the groups gnomAD compares: Admixed American, 0.0084%; no homozygotes.

Submission:

Ambry Genetics
Classification: Uncertain significance. Last evaluated: 2025-12-22. Review status: criteria provided, single submitter. Criteria: Ambry Variant Classification Scheme 2023. Collection method: clinical testing. Allele origin: germline.
Comment: The c.4808C>T (p.S1603L) alteration is located in exon 31 (coding exon 30) of the MYO18A gene. This alteration results from a C to T substitution at nucleotide position 4808, causing the serine (S) at amino acid position 1603 to be replaced by a leucine (L). Based on data from gnomAD, the T allele has an overall frequency of 0.003% (7/241438) total alleles studied. The highest observed frequency was 0.009% (3/33790) of Latino alleles. Based on insufficient or conflicting evidence, the clinical significance of this alteration remains unclear.

NM_078471.4(MYO18A):c.4808C>T (p.Ser1603Leu)

Gene: MYO18A (myosin XVIIIA; minus strand). Cytogenetic location: 17q11.2.
Variant type: single nucleotide variant.
Coding change: c.4808C>T on transcript NM_078471.4 (MANE Select); coding-DNA position 4808, C replaced by T.
Protein change: p.Ser1603Leu; replaces serine 1603 with leucine.
Molecular consequence: missense variant. On other transcripts: intron variant (1).
Genome position (GRCh38, 1-based): chr17:29,093,993, G>A on the plus strand (C>T on the coding strand, the complement: MYO18A is on the minus strand). VCF-style: chr17-29093993-G-A. GRCh37 (hg19) VCF-style: chr17-27421011-G-A.
Other names: c.4865C>T, p.Ser1622Leu (NM_001346765.2); c.4844C>T, p.Ser1615Leu (NM_001346766.2); c.3434C>T, p.Ser1145Leu (NM_001346768.2); c.4808C>T, p.Ser1603Leu (NM_203318.2); c.4711-566C>T (NM_001346767.2); short protein forms S1145L, S1603L, S1622L, S1615L.
Identifiers: ClinVar variation 4829632 (VCV004829632.1).